The following is an entry in ClinVar:

ClinVar aggregate classification (germline): Conflicting classifications of pathogenicity. Review status: criteria provided, conflicting classifications (1 of 4 stars). 4 submissions from 4 submitters: Uncertain significance (3); Likely benign (1). Last evaluated 2026-01-17.

Conditions:
Cardiovascular phenotype. Identifiers: MedGen CN230736.
Catecholaminergic polymorphic ventricular tachycardia (CVPT). Also called: Catecholamine-induced polymorphic ventricular tachycardia. Identifiers: Orphanet 3286, MedGen C5574922, MONDO:0017990.
Catecholaminergic polymorphic ventricular tachycardia 1. Also called: RYR2-Related Catecholaminergic Polymorphic Ventricular Tachycardia; VENTRICULAR TACHYCARDIA, CATECHOLAMINERGIC POLYMORPHIC, 1, WITH OR WITHOUT ATRIAL DYSFUNCTION AND/OR DILATED CARDIOMYOPATHY; VENTRICULAR TACHYCARDIA, STRESS-INDUCED POLYMORPHIC 1. Identifiers: Orphanet 3286, MedGen C1631597, MONDO:0011484, OMIM 604772.

Allele frequency attached by ClinVar (database versions not stated): gnomAD exomes 0.00001 and 0.00002; TOPMed 0.00001; gnomAD 0.00002; ExAC 0.00003.
gnomAD v4.1: 20 of 1,613,820 alleles (0.0012%); highest among the groups gnomAD compares: African/African-American, 0.004%; no homozygotes.

Submissions (4):

Labcorp Genetics (formerly Invitae), Labcorp
Classification: Likely benign for Catecholaminergic polymorphic ventricular tachycardia 1. Last evaluated: 2026-01-17. Review status: criteria provided, single submitter. Criteria: Invitae Variant Classification Sherloc (09022015). Collection method: clinical testing. Allele origin: germline.

Ambry Genetics
Classification: Uncertain significance for Cardiovascular phenotype. Last evaluated: 2025-11-05. Review status: criteria provided, single submitter. Criteria: Ambry Variant Classification Scheme 2023. Collection method: clinical testing. Allele origin: germline.
Comment: The p.G1752S variant (also known as c.5254G>A), located in coding exon 37 of the RYR2 gene, results from a G to A substitution at nucleotide position 5254. The glycine at codon 1752 is replaced by serine, an amino acid with similar properties. This amino acid position is highly conserved in available vertebrate species. In addition, the in silico prediction for this alteration is inconclusive. Based on the available evidence, the clinical significance of this variant remains unclear.

All of Us Research Program, National Institutes of Health
Classification: Uncertain significance for Catecholaminergic polymorphic ventricular tachycardia. Last evaluated: 2024-03-24. Review status: criteria provided, single submitter. Criteria: ACMG Guidelines, 2015. Collection method: clinical testing. Allele origin: germline. Inheritance: Autosomal dominant inheritance. Observed: 3 variant alleles, 3 heterozygotes.
Comment: This missense variant replaces glycine with serine at codon 1752 of the RYR2 protein. Computational prediction suggests that this variant may not impact protein structure and function (internally defined REVEL score threshold <= 0.5, PMID: 27666373). To our knowledge, functional studies have not been reported for this variant. This variant has not been reported in individuals affected with RYR2-related disorders in the literature. This variant has been identified in 6/248948 chromosomes in the general population by the Genome Aggregation Database (gnomAD). The available evidence is insufficient to determine the role of this variant in disease conclusively. Therefore, this variant is classified as a Variant of Uncertain Significance.

This study involves interpretation of variants in research participants for the purpose of population health screening. Participant phenotype was not available at the time of variant classification. Additional details can be found in publication PMID: 35346344, PMCID: PMC8962531

GeneDx
Classification: Uncertain significance. Last evaluated: 2019-06-24. Review status: criteria provided, single submitter. Criteria: GeneDx Variant Classification Process June 2021. Collection method: clinical testing. Allele origin: germline. Affected: yes.
Comment: Has not been previously published as pathogenic or benign to our knowledge; In silico analysis, which includes protein predictors and evolutionary conservation, supports a deleterious effect; Not located in one of the three hot-spot regions of the RYR2 gene, where the majority of pathogenic missense variants occur (Medeiros-Domingo et al., 2009)

NM_001035.3(RYR2):c.5254G>A (p.Gly1752Ser)

Gene: RYR2 (ryanodine receptor 2; plus strand). Cytogenetic location: 1q43.
Variant type: single nucleotide variant.
Coding change: c.5254G>A on transcript NM_001035.3 (MANE Select); coding-DNA position 5254, G replaced by A.
Protein change: p.Gly1752Ser; replaces glycine 1752 with serine.
Molecular consequence: missense variant.
Genome position (GRCh38, 1-based): chr1:237,614,382, G>A. VCF-style: chr1-237614382-G-A. GRCh37 (hg19) VCF-style: chr1-237777682-G-A.
Other names: short protein forms G1752S.
Identifiers: ClinVar variation 1318990 (VCV001318990.14), dbSNP rs771662129, ClinGen allele CA086859.
Genomic context (GRCh38, chr1:237,614,382, plus strand): 5'-GAGACGAAGAGCATCACCCTGTTCCCTGATGAGAACAAAAAACACGGCCTTCCAGGGATC[G>A]GCCTCAGCACCTCCCTCAGGCCACGGATGCAGTTTTCCTCCCCCAGTTTTGTAAGCATTA-3'
Protein context (NP_001026.2, residues 1742-1762): ENKKHGLPGI[Gly1752Ser]LSTSLRPRMQ